The following is an entry in ClinVar:

ClinVar aggregate classification (germline): Uncertain significance (1 of 4 stars; one submission).

Conditions:
Pontocerebellar hypoplasia type 9. Identifiers: Orphanet 369920, MedGen C4014354, MONDO:0014351, OMIM 615809.

Submission:

Victorian Clinical Genetics Services, Murdoch Childrens Research Institute
Classification: Uncertain significance for Pontocerebellar hypoplasia type 9. Last evaluated: 2019-03-19. Review status: criteria provided, single submitter. Criteria: ACMG Guidelines, 2015. Collection method: clinical testing. Allele origin: unknown. Affected: yes.
Comment: A heterozygous frameshift deletion variant, NM_004037.7(AMPD2):c.2489del, has been identified in exon 18 of 18 of the AMPD2 gene. This deletion is predicted to create a frameshift starting at amino acid position 830, introducing a stop codon 45 residues downstream (NP_001244289.1(AMPD2):p.(Ile830Thrfs*45)). This variant is predicted to result in loss of protein function through truncation (possibly affecting the AMPD domain). The variant is absent in population databases (gnomAD) and it has not been previously reported in clinical cases. Based on the information available at the time of curation, this variant has been classified as VARIANT of UNCERTAIN SIGNIFICANCE (VUS).

NM_001368809.2(AMPD2):c.2327del (p.Ile776fs)

Gene: AMPD2 (adenosine monophosphate deaminase 2; plus strand). Cytogenetic location: 1p13.3.
Variant type: Deletion.
Coding change: c.2327del on transcript NM_001368809.2 (MANE Select); coding-DNA position 2327, one base deleted (T; older notation c.2327delT).
Protein change: p.Ile776fs; shifts the reading frame from isoleucine 776.
Molecular consequence: frameshift variant.
Genome position (GRCh38, 1-based): chr1:109,631,001, T deleted. VCF-style (leftmost placement, unchanged base first): chr1-109631000-AT-A. GRCh37 (hg19) VCF-style: chr1-110173622-AT-A.
Other names: c.2135del, p.Ile712fs (NM_001257361.2); c.2264del, p.Ile755fs (NM_001308170.1); c.2327del, p.Ile776fs (NM_004037.9); c.2246del, p.Ile749fs (NM_139156.4); short protein forms I712fs, I749fs, I755fs, I776fs.
Identifiers: ClinVar variation 975090 (VCV000975090.3), dbSNP rs1651209606, ClinGen allele CA1139656268.